The following is an entry in ClinVar:

ClinVar aggregate classification (germline): Conflicting classifications of pathogenicity. Review status: criteria provided, conflicting classifications (1 of 4 stars). 10 submissions from 5 submitters: Uncertain significance (8); Benign (2). Last evaluated 2025-07-06.

Conditions:
Febrile seizures, familial, 1. Also called: FEB1. Identifiers: MedGen C1852577, MONDO:0007367, OMIM 121210.
Inborn genetic diseases. Identifiers: MedGen C0950123, MeSH D030342.
Neuropathy, hereditary sensory and autonomic, type 2A (HSAN2A). Also called: NEUROPATHY, PROGRESSIVE SENSORY, OF CHILDREN; HSAN IIA; ACROOSTEOLYSIS, GIACCAI TYPE; ACROOSTEOLYSIS, NEUROGENIC; WNK1-Related HSAN2 (HSAN2A); MORVAN DISEASE. Identifiers: Orphanet 970, MedGen C2752089, MONDO:0024309, OMIM 201300.
Generalized epilepsy with febrile seizures plus, type 7 (GEFSP7). Also called: GEFS+, TYPE 7. Identifiers: Orphanet 36387, MedGen C2751778, MONDO:0013470, OMIM 613863.
Primary erythromelalgia. Also called: primary erythermalgia; SCN9A Erythromelalgia (SCN9A-EM). Identifiers: Orphanet 306577, Orphanet 90026, MedGen C0014805, MONDO:0007571, OMIM 133020.
Channelopathy-associated congenital insensitivity to pain, autosomal recessive. Also called: Insensitivity to pain, channelopathy-associated; ASYMBOLIA FOR PAIN; CONGENITAL ANALGESIA, AUTOSOMAL RECESSIVE. Identifiers: Orphanet 88642, Orphanet 970, MedGen C1855739, MONDO:0009459, OMIM 243000.
Paroxysmal extreme pain disorder (PEXPD). Also called: PAIN, SUBMANDIBULAR, OCULAR, AND RECTAL, WITH FLUSHING; RECTAL PAIN, FAMILIAL; SCN9A Paroxysmal Extreme Pain Disorder (SCN9A-PEPD). Identifiers: Orphanet 46348, MedGen C1833661, MONDO:0008179, OMIM 167400.

Allele frequency attached by ClinVar (database versions not stated): TOPMed below 0.00001; gnomAD exomes 0.00001; ExAC 0.00002; gnomAD 0.00002; 1000 Genomes Project 30x 0.00016.
gnomAD v4.1: 40 of 1,609,914 alleles (0.0025%); highest among the groups gnomAD compares: Middle Eastern, 0.05%; no homozygotes.

Submissions (10):

Labcorp Genetics (formerly Invitae), Labcorp
Classification: Uncertain significance for Neuropathy, hereditary sensory and autonomic, type 2A; Generalized epilepsy with febrile seizures plus, type 7. Last evaluated: 2025-07-06. Review status: criteria provided, single submitter. Criteria: Invitae Variant Classification Sherloc (09022015). Collection method: clinical testing. Allele origin: germline.
Comment: This sequence change replaces arginine, which is basic and polar, with cysteine, which is neutral and slightly polar, at codon 429 of the SCN9A protein (p.Arg429Cys). This variant is present in population databases (rs763256222, gnomAD 0.01%). This missense change has been observed in individual(s) with generalized epilepsy with febrile seizures (PMID: 31394368). ClinVar contains an entry for this variant (Variation ID: 548618). Invitae Evidence Modeling of protein sequence and biophysical properties (such as structural, functional, and spatial information, amino acid conservation, physicochemical variation, residue mobility, and thermodynamic stability) indicates that this missense variant is not expected to disrupt SCN9A protein function with a negative predictive value of 95%. In summary, the available evidence is currently insufficient to determine the role of this variant in disease. Therefore, it has been classified as a Variant of Uncertain Significance.

Blueprint Genetics
Classification: Uncertain significance. Last evaluated: 2024-01-31. Review status: criteria provided, single submitter. Criteria: ACMG Guidelines, 2015. Collection method: clinical testing. Allele origin: germline.

Ambry Genetics
Classification: Uncertain significance for Inborn genetic diseases. Last evaluated: 2020-01-15. Review status: criteria provided, single submitter. Criteria: Ambry Variant Classification Scheme 2023. Collection method: clinical testing. Allele origin: germline.
Comment: The p.R429C variant (also known as c.1285C>T), located in coding exon 9 of the SCN9A gene, results from a C to T substitution at nucleotide position 1285. The arginine at codon 429 is replaced by cysteine, an amino acid with highly dissimilar properties. This nucleotide position is well conserved in available vertebrate species. This amino acid position is not well conserved in available vertebrate species. In addition, the in silico prediction for this alteration is inconclusive. Since supporting evidence is limited at this time, the clinical significance of this alteration remains unclear.

Genomic Research Center, Shahid Beheshti University of Medical Sciences
Classification: Uncertain significance for Primary erythromelalgia. Last evaluated: 2018-03-05. Review status: criteria provided, single submitter. Criteria: ACMG Guidelines, 2015. Collection method: clinical testing. Allele origin: inherited. Affected: yes. Observed: 1 variant allele.

Genomic Research Center, Shahid Beheshti University of Medical Sciences
Classification: Uncertain significance for Generalized epilepsy with febrile seizures plus, type 7. Last evaluated: 2018-03-05. Review status: criteria provided, single submitter. Criteria: ACMG Guidelines, 2015. Collection method: clinical testing. Allele origin: inherited. Affected: yes. Observed: 1 variant allele.

Genomic Research Center, Shahid Beheshti University of Medical Sciences
Classification: Uncertain significance for Channelopathy-associated congenital insensitivity to pain, autosomal recessive. Last evaluated: 2018-03-05. Review status: criteria provided, single submitter. Criteria: ACMG Guidelines, 2015. Collection method: clinical testing. Allele origin: inherited. Affected: yes. Observed: 1 variant allele.

Genomic Research Center, Shahid Beheshti University of Medical Sciences
Classification: Uncertain significance for Febrile seizures, familial, 1. Last evaluated: 2018-03-05. Review status: criteria provided, single submitter. Criteria: ACMG Guidelines, 2015. Collection method: clinical testing. Allele origin: inherited. Affected: yes. Observed: 1 variant allele.

Illumina Laboratory Services, Illumina
Classification: Benign for Paroxysmal extreme pain disorder. Last evaluated: 2018-01-13. Review status: criteria provided, single submitter. Criteria: ICSL Variant Classification Criteria 13 December 2019. Collection method: clinical testing. Allele origin: germline.
Comment: This variant was observed in the ICSL laboratory as part of a predisposition screen in an ostensibly healthy population. It had not been previously curated by ICSL or reported in the Human Gene Mutation Database (HGMD: prior to June 1st, 2018), and was therefore a candidate for classification through an automated scoring system. Utilizing variant allele frequency, disease prevalence and penetrance estimates, and inheritance mode, an automated score was calculated to assess if this variant is too frequent to cause the disease. Based on the score and internal cut-off values, a variant classified as benign is not then subjected to further curation. The score for this variant resulted in a classification of benign for this disease.

Illumina Laboratory Services, Illumina
Classification: Uncertain significance for Channelopathy-associated congenital insensitivity to pain, autosomal recessive. Last evaluated: 2018-01-13. Review status: criteria provided, single submitter. Criteria: ICSL Variant Classification Criteria 13 December 2019. Collection method: clinical testing. Allele origin: germline.

Illumina Laboratory Services, Illumina
Classification: Benign for Primary erythromelalgia. Last evaluated: 2018-01-13. Review status: criteria provided, single submitter. Criteria: ICSL Variant Classification Criteria 13 December 2019. Collection method: clinical testing. Allele origin: germline.
Comment: the same text as in the submission from Illumina Laboratory Services, Illumina above.

Literature cited by the submitters: PubMed 31394368 (cited by Labcorp Genetics (formerly Invitae), Labcorp).

NM_001365536.1(SCN9A):c.1285C>T (p.Arg429Cys)

Genes: SCN1A-AS1 (SCN1A and SCN9A antisense RNA 1; plus strand), SCN9A (sodium voltage-gated channel alpha subunit 9; minus strand). Cytogenetic location: 2q24.3.
Variant type: single nucleotide variant.
Coding change: c.1285C>T on transcript NM_001365536.1 (MANE Select); coding-DNA position 1285, C replaced by T.
Protein change: p.Arg429Cys; replaces arginine 429 with cysteine.
Molecular consequence: missense variant.
Genome position (GRCh38, 1-based): chr2:166,288,466, G>A on the plus strand (C>T on the coding strand, the complement: SCN9A is on the minus strand). VCF-style: chr2-166288466-G-A. GRCh37 (hg19) VCF-style: chr2-167144976-G-A.
Other names: c.1285C>T, p.Arg429Cys (NM_002977.4); short protein forms R429C.
Identifiers: ClinVar variation 548618 (VCV000548618.20), dbSNP rs763256222, ClinGen allele CA1944556.